The following is an entry in ClinVar:

NM_000214.3(JAG1):c.3325G>T (p.Asp1109Tyr)

Gene: JAG1 (jagged canonical Notch ligand 1; minus strand). Cytogenetic location: 20p12.2.
Variant type: single nucleotide variant.
Coding change: c.3325G>T on transcript NM_000214.3 (MANE Select); coding-DNA position 3325, G replaced by T.
Protein change: p.Asp1109Tyr; replaces aspartic acid 1109 with tyrosine.
Molecular consequence: missense variant.
Genome position (GRCh38, 1-based): chr20:10,639,830, C>A on the plus strand (G>T on the coding strand, the complement: JAG1 is on the minus strand). VCF-style: chr20-10639830-C-A. GRCh37 (hg19) VCF-style: chr20-10620478-C-A.
Other names: short protein forms D1109Y.
Identifiers: ClinVar variation 1020988 (VCV001020988.8), dbSNP rs1044765003, ClinGen allele CA408243372.

ClinVar aggregate classification (germline): Uncertain significance (1 of 4 stars; one submission).

Conditions:
Alagille syndrome due to a JAG1 point mutation. Also called: Alagille Syndrome 1; HEPATIC DUCTULAR HYPOPLASIA, SYNDROMATIC; JAG1-Related Alagille Syndrome. Identifiers: Orphanet 261619, Orphanet 52, MedGen C1956125, MONDO:0016862, OMIM 118450.

Submission:

Labcorp Genetics (formerly Invitae), Labcorp
Classification: Uncertain significance for Alagille syndrome due to a JAG1 point mutation. Last evaluated: 2022-09-01. Review status: criteria provided, single submitter. Criteria: Invitae Variant Classification Sherloc (09022015). Collection method: clinical testing. Allele origin: germline.
Comment: In summary, the available evidence is currently insufficient to determine the role of this variant in disease. Therefore, it has been classified as a Variant of Uncertain Significance. Advanced modeling of protein sequence and biophysical properties (such as structural, functional, and spatial information, amino acid conservation, physicochemical variation, residue mobility, and thermodynamic stability) performed at Invitae indicates that this missense variant is not expected to disrupt JAG1 protein function. ClinVar contains an entry for this variant (Variation ID: 1020988). This variant has not been reported in the literature in individuals affected with JAG1-related conditions. This variant is not present in population databases (gnomAD no frequency). This sequence change replaces aspartic acid, which is acidic and polar, with tyrosine, which is neutral and polar, at codon 1109 of the JAG1 protein (p.Asp1109Tyr).